The following is an entry in ClinVar:

ClinVar aggregate classification (germline): Likely pathogenic (3 of 4 stars; one submission).

Conditions:
Juvenile retinoschisis (RS1). Also called: X-Linked Juvenile Retinoschisis; X-linked retinoschisis. Identifiers: Orphanet 792, MedGen C3714753, MONDO:0010725, OMIM 312700.

Submission:

ClinGen X-linked Inherited Retinal Disease Variant Curation Expert Panel, ClinGen
Classification: Likely pathogenic for Juvenile retinoschisis. Last evaluated: 2026-09-26. Review status: reviewed by expert panel. Criteria: ClinGen X LinkedIRD ACMG Specifications RS1 V1.0.0. Collection method: curation. Allele origin: germline. Inheritance: X-linked inheritance.
Comment: The NM_000330.4(RS1):c.216G>T (p.Glu72Asp) variant is a missense variant encoding the substitution of Glutamic acid and Aspartic acid at amino acid 72. This variant is absent from hemizygous individuals in gnomAD v4.1.0 (PM2_Supporting). The computational predictor REVEL gives a score of 0.930, which is within the ClinGen X-linked IRD VCEP range between 0.931 and 0.773 and predicts a damaging effect on RS1 function (PP3_moderate). The computational splicing predictor SpliceAI gives a delta score of 0.39 for acceptor gain, which is above the ClinGen X-linked IRD VCEP threshold of >0.2 and does predict that the variant disrupts RS1 splicing. The predicted splicing impact is expected to generate an alternative acceptor splice site, resulting in skipping of Cysteine 63. This residue is part of a conserved disulfide bridge in RS1 and is considered functionally important for protein stability and function. However, as no functional studies are currently available to directly demonstrate the effect of this predicted splicing alteration, only the resulting amino acid change was considered for variant interpretation, rather than the splicing impact. Another missense variant in the same codon, NM_000330.4(RS1):c.214G>C (p.Glu72Gln), (PMIDs: 19390641, 11295123, 28348004, 36460718, 39462066, 35456481) have been classified as pathogenic for X-linked retinoschisis by the ClinGen X-linked IRD VCEP, while no benign missense variants have been identified in this codon. The present variant has a higher Grantham’s distance (45) than the comparison variants (29), and SpliceAI has been used to confirm that neither variant has a predicted impact on RS1 splicing (PM5). This variant p.Glu72, of the RS1 gene, is a missense substitution affecting an established residue involved in cross-linking the adjacent RS1 subunit defined by the ClinGen X-linked IRD VCEP (PMID: 27114531, PM1). At least one proband harboring this variant exhibits a phenotype including the appearance of schisis and reduced visual acuity before age 13 years, and showing retinal detachment, which together are highly specific for X-linked retinoschisis (PMID: 28272453, PP4_Moderate). In summary, this variant is classified as likely pathogenic for X-linked retinoschisis based on the ClinGen X-linked Inherited Retinal Disease Expert Panel Specifications to the ACMG/AMP Variant Interpretation Guidelines for RS1 Version 1.0.0: PM2_Supporting, PP3_Moderate, PM5, PM1, and PP4_Moderate.

NM_000330.4(RS1):c.216G>T (p.Glu72Asp)

Genes: CDKL5 (cyclin dependent kinase like 5; plus strand), RS1 (retinoschisin 1; minus strand). Cytogenetic location: Xp22.13.
Variant type: single nucleotide variant.
Coding change: c.216G>T on transcript NM_000330.4 (MANE Select); coding-DNA position 216, G replaced by T.
Protein change: p.Glu72Asp; replaces glutamic acid 72 with aspartic acid.
Molecular consequence: missense variant. On other transcripts: intron variant (2).
Genome position (GRCh38, 1-based): chrX:18,647,301, C>A on the plus strand (G>T on the coding strand, the complement: RS1 is on the minus strand). VCF-style: chrX-18647301-C-A. GRCh37 (hg19) VCF-style: chrX-18665421-C-A.
Other names: NM_003159.3:c.2797+1211C>A; c.2797+1211C>A (NM_003159.3, NM_001037343.2); short protein forms E72D.
Identifiers: ClinVar variation 4976894 (VCV004976894.1).